The following is an entry in ClinVar:

ClinVar aggregate classification (germline): Uncertain significance (1 of 4 stars; one submission).

Allele frequency attached by ClinVar (database versions not stated): ExAC 0.00001; gnomAD exomes 0.00001.
gnomAD v4.1: 10 of 1,613,518 alleles (0.00062%); highest among the groups gnomAD compares: Non-Finnish European, 0.00085%; no homozygotes.

Submission:

Labcorp Genetics (formerly Invitae), Labcorp
Classification: Uncertain significance. Last evaluated: 2022-07-22. Review status: criteria provided, single submitter. Criteria: Invitae Variant Classification Sherloc (09022015). Collection method: clinical testing. Allele origin: germline.
Comment: This sequence change replaces histidine, which is basic and polar, with leucine, which is neutral and non-polar, at codon 2680 of the HSPG2 protein (p.His2680Leu). This variant is present in population databases (rs752522508, gnomAD 0.0009%). In summary, the available evidence is currently insufficient to determine the role of this variant in disease. Therefore, it has been classified as a Variant of Uncertain Significance. Algorithms developed to predict the effect of missense changes on protein structure and function output the following: SIFT: "Tolerated"; PolyPhen-2: "Benign"; Align-GVGD: "Class C0". The leucine amino acid residue is found in multiple mammalian species, which suggests that this missense change does not adversely affect protein function. This variant has not been reported in the literature in individuals affected with HSPG2-related conditions.

NM_005529.7(HSPG2):c.8039A>T (p.His2680Leu)

Gene: HSPG2 (heparan sulfate proteoglycan 2; minus strand). Cytogenetic location: 1p36.12.
Variant type: single nucleotide variant.
Coding change: c.8039A>T on transcript NM_005529.7 (MANE Select); coding-DNA position 8039, A replaced by T.
Protein change: p.His2680Leu; replaces histidine 2680 with leucine.
Molecular consequence: missense variant.
Genome position (GRCh38, 1-based): chr1:21,847,479, T>A on the plus strand (A>T on the coding strand, the complement: HSPG2 is on the minus strand). VCF-style: chr1-21847479-T-A. GRCh37 (hg19) VCF-style: chr1-22173972-T-A.
Other names: c.8042A>T, p.His2681Leu (NM_001291860.2); short protein forms H2681L, H2680L.
Identifiers: ClinVar variation 2089302 (VCV002089302.4), dbSNP rs752522508, ClinGen allele CA670943.
Genomic context (GRCh38, chr1:21,847,479, plus strand): 5'-TTGTTGGCCCGGCACACATACTCGCCCGAGTCAGCCACAGACATTTGGTGCAACCGCAGG[T>A]GGGAGCCATGGGTCTGGACGTGCGGATGGGGAAGGAGAGGGAGAGGGAGTGGAGGGACGC-3'
Protein context (NP_005520.4, residues 2670-2690): LPSRHQTHGS[His2680Leu]LRLHQMSVAD